The following is an entry in ClinVar:

ClinVar aggregate classification (germline): Uncertain significance. Review status: criteria provided, multiple submitters, no conflicts (2 of 4 stars). 2 submissions from 2 submitters: Uncertain significance (2). Last evaluated 2025-02-18.

Conditions:
Inborn genetic diseases. Identifiers: MedGen C0950123, MeSH D030342.
Dyskeratosis congenita, autosomal dominant 6 (DKCA6). Identifiers: Orphanet 3322, MedGen C4225284, MONDO:0014690, OMIM 616553.

Allele frequency attached by ClinVar (database versions not stated): TOPMed below 0.00001; ExAC 0.00001.

Submissions (2):

Labcorp Genetics (formerly Invitae), Labcorp
Classification: Uncertain significance for Dyskeratosis congenita, autosomal dominant 6. Last evaluated: 2025-02-18. Review status: criteria provided, single submitter. Criteria: Invitae Variant Classification Sherloc (09022015). Collection method: clinical testing. Allele origin: germline.
Comment: This sequence change replaces alanine, which is neutral and non-polar, with serine, which is neutral and polar, at codon 70 of the ACD protein (p.Ala70Ser). This variant is present in population databases (rs763682845, gnomAD 0.003%). This variant has not been reported in the literature in individuals affected with ACD-related conditions. ClinVar contains an entry for this variant (Variation ID: 1785724). An algorithm developed to predict the effect of missense changes on protein structure and function outputs the following: PolyPhen-2: "Benign". The serine amino acid residue is found in multiple mammalian species, which suggests that this missense change does not adversely affect protein function. In summary, the available evidence is currently insufficient to determine the role of this variant in disease. Therefore, it has been classified as a Variant of Uncertain Significance.

Ambry Genetics
Classification: Uncertain significance for Inborn genetic diseases. Last evaluated: 2022-04-08. Review status: criteria provided, single submitter. Criteria: Ambry Variant Classification Scheme 2023. Collection method: clinical testing. Allele origin: germline.
Comment: The p.A70S variant (also known as c.208G>T), located in coding exon 1 of the ACD gene, results from a G to T substitution at nucleotide position 208. The alanine at codon 70 is replaced by serine, an amino acid with similar properties. This amino acid position is conserved. In addition, this alteration is predicted to be tolerated by in silico analysis. Since supporting evidence is limited at this time, the clinical significance of this alteration remains unclear.

NC_000016.10:g.67660271C>A

Gene: ACD (ACD shelterin complex subunit and telomerase recruitment factor; minus strand). Cytogenetic location: 16q22.1.
Variant type: single nucleotide variant.
Genome position: GRCh38 VCF-style: chr16-67660271-C-A. GRCh37 (hg19) VCF-style: chr16-67694174-C-A.
Other names: short protein forms A70S.
Identifiers: ClinVar variation 1785724 (VCV001785724.5), dbSNP rs763682845, ClinGen allele CA8114877.
Genomic context (GRCh38, chr16:67,660,271, plus strand): 5'-AACCTGCCATCCCCACGGCTACACCCAGCGGATGCAACGGGCCCGGGTTTCCCGCGGGCG[C>A]CCAGGCCCCGCCTTTCCTCGGAAGAGGAAGCTCCTTCGCTGGGCGGGGCCGGAGGAGGAG-3'